The following is an entry in ClinVar:

NM_005004.4(NDUFB8):c.443A>G (p.Asp148Gly)

Gene: NDUFB8 (NADH:ubiquinone oxidoreductase subunit B8; minus strand). Cytogenetic location: 10q24.31.
Variant type: single nucleotide variant.
Coding change: c.443A>G on transcript NM_005004.4 (MANE Select); coding-DNA position 443, A replaced by G.
Protein change: p.Asp148Gly; replaces aspartic acid 148 with glycine.
Molecular consequence: missense variant.
Genome position (GRCh38, 1-based): chr10:100,526,424, T>C on the plus strand (A>G on the coding strand, the complement: NDUFB8 is on the minus strand). VCF-style: chr10-100526424-T-C. GRCh37 (hg19) VCF-style: chr10-102286181-T-C.
Other names: c.443A>G, p.Asp148Gly (NM_001284367.2); c.350A>G, p.Asp117Gly (NM_001284368.1); short protein forms D148G, D117G.
Identifiers: ClinVar variation 1347564 (VCV001347564.6), dbSNP rs1443463176, ClinGen allele CA378175658.

ClinVar aggregate classification (germline): Uncertain significance (1 of 4 stars; one submission).

Allele frequency attached by ClinVar (database versions not stated): gnomAD exomes below 0.00001; TOPMed below 0.00001; gnomAD 0.00001.

Submission:

Labcorp Genetics (formerly Invitae), Labcorp
Classification: Uncertain significance. Last evaluated: 2024-08-12. Review status: criteria provided, single submitter. Criteria: Invitae Variant Classification Sherloc (09022015). Collection method: clinical testing. Allele origin: germline.
Comment: This sequence change replaces aspartic acid, which is acidic and polar, with glycine, which is neutral and non-polar, at codon 148 of the NDUFB8 protein (p.Asp148Gly). This variant is not present in population databases (gnomAD no frequency). This variant has not been reported in the literature in individuals affected with NDUFB8-related conditions. ClinVar contains an entry for this variant (Variation ID: 1347564). An algorithm developed to predict the effect of missense changes on protein structure and function (PolyPhen-2) suggests that this variant is likely to be tolerated. In summary, the available evidence is currently insufficient to determine the role of this variant in disease. Therefore, it has been classified as a Variant of Uncertain Significance.